The following is an entry in ClinVar:

ClinVar aggregate classification (germline): Conflicting classifications of pathogenicity. Review status: criteria provided, conflicting classifications (1 of 4 stars). 9 submissions from 9 submitters: Uncertain significance (7); Likely benign (1). 1 of the submissions does not count toward it. Last evaluated 2025-05-19.

Conditions:
Hereditary nonpolyposis colorectal neoplasms. Identifiers: MedGen C0009405, MeSH D003123.
Hereditary cancer-predisposing syndrome. Also called: Neoplastic Syndromes, Hereditary; Tumor predisposition; Hereditary Cancer Syndrome; Hereditary neoplastic syndrome. Identifiers: Orphanet 140162, MedGen C0027672, MeSH D009386, MONDO:0015356.
Lynch syndrome. Identifiers: Orphanet 144, MedGen C4552100, MONDO:0005835. Disease mechanism: loss of function.
Lynch syndrome 5 (LYNCH5). Also called: Colorectal cancer, hereditary nonpolyposis, type 5; Hereditary non-polyposis colorectal cancer, type 5. Identifiers: Orphanet 144, MedGen C1833477, MONDO:0013710, OMIM 614350. Disease mechanism: loss of function.
Endometrial carcinoma. Also called: Endometrial carcinoma, somatic. Identifiers: MedGen C0476089, MONDO:0002447, OMIM 608089, HP:0012114.

Allele frequency attached by ClinVar (database versions not stated): ExAC 0.00001; gnomAD 0.00001; TOPMed 0.00001; ESP Exome Variant Server 0.00008.

Submissions (9):

Labcorp Genetics (formerly Invitae), Labcorp
Classification: Likely benign for Hereditary nonpolyposis colorectal neoplasms. Last evaluated: 2025-05-19. Review status: criteria provided, single submitter. Criteria: Invitae Variant Classification Sherloc (09022015). Collection method: clinical testing. Allele origin: germline.

Ambry Genetics
Classification: Uncertain significance for Hereditary cancer-predisposing syndrome. Last evaluated: 2024-07-07. Review status: criteria provided, single submitter. Criteria: Ambry Variant Classification Scheme 2023. Collection method: clinical testing. Allele origin: germline.
Comment: The p.M1202V variant (also known as c.3604A>G), located in coding exon 7 of the MSH6 gene, results from an A to G substitution at nucleotide position 3604. The methionine at codon 1202 is replaced by valine, an amino acid with highly similar properties. This amino acid position is poorly conserved in available vertebrate species. In addition, this alteration is predicted to be tolerated by in silico analysis. Since supporting evidence is limited at this time, the clinical significance of this alteration remains unclear.

All of Us Research Program, National Institutes of Health
Classification: Uncertain significance for Lynch syndrome. Last evaluated: 2023-10-30. Review status: criteria provided, single submitter. Criteria: ACMG Guidelines, 2015. Collection method: clinical testing. Allele origin: germline. Inheritance: Autosomal dominant inheritance. Observed: 2 variant alleles, 2 heterozygotes.
Comment: This missense variant replaces methionine with valine at codon 1202 of the MSH6 protein. Computational prediction suggests that this variant may not impact protein structure and function (internally defined REVEL score threshold <= 0.5, PMID: 27666373). To our knowledge, functional studies have not been reported for this variant. This variant has not been reported in individuals affected with hereditary cancer in the literature. This variant has been identified in 2/251442 chromosomes in the general population by the Genome Aggregation Database (gnomAD). The available evidence is insufficient to determine the role of this variant in disease conclusively. Therefore, this variant is classified as a Variant of Uncertain Significance.

This study involves interpretation of variants in research participants for the purpose of population health screening. Participant phenotype was not available at the time of variant classification. Additional details can be found in publication PMID: 35346344, PMCID: PMC8962531

Baylor Genetics
Classification: Uncertain significance for Endometrial carcinoma. Last evaluated: 2023-06-16. Review status: criteria provided, single submitter. Criteria: ACMG Guidelines, 2015. Collection method: clinical testing. Allele origin: unknown.

Myriad Genetics, Inc.
Classification: Uncertain significance for Lynch syndrome 5. Last evaluated: 2023-03-29. Review status: criteria provided, single submitter. Criteria: Myriad Autosomal Dominant, Autosomal Recessive and X-Linked Classification Criteria (2023). Collection method: clinical testing. Allele origin: unknown.
Comment: This variant is classified as a variant of uncertain significance as there is insufficient evidence to determine its impact on protein function and/or cancer risk.

Color Diagnostics, LLC DBA Color Health
Classification: Uncertain significance for Hereditary cancer-predisposing syndrome. Last evaluated: 2022-07-26. Review status: criteria provided, single submitter. Criteria: ACMG Guidelines, 2015. Collection method: clinical testing. Allele origin: germline.
Comment: This missense variant replaces methionine with valine at codon 1202 of the MSH6 protein. Computational prediction suggests that this variant may not impact protein structure and function (internally defined REVEL score threshold <= 0.5, PMID: 27666373). To our knowledge, functional studies have not been reported for this variant. This variant has not been reported in individuals affected with hereditary cancer in the literature. This variant has been identified in 2/251442 chromosomes in the general population by the Genome Aggregation Database (gnomAD). The available evidence is insufficient to determine the role of this variant in disease conclusively. Therefore, this variant is classified as a Variant of Uncertain Significance.

GeneDx
Classification: Uncertain significance. Last evaluated: 2017-12-01. Review status: criteria provided, single submitter. Criteria: GeneDx Variant Classification (06012015). Collection method: clinical testing. Allele origin: germline. Affected: yes.
Comment: This variant is denoted MSH6 c.3604A>G at the cDNA level, p.Met1202Val (M1202V) at the protein level, and results in the change of a Methionine to a Valine (ATG>GTG). This variant has not, to our knowledge, been published in the literature as pathogenic or benign. MSH6 Met1202Val was not observed at a significant allele frequency in large population cohorts (Lek 2016). Since Methionine and Valine share similar properties, this is considered a conservative amino acid substitution. MSH6 Met1202Val is located within the ATPase domain (Warren 2007, Kansikas 2011). In-silico analyses, including protein predictors and evolutionary conservation, support that this variant does not alter protein structure/function. Based on currently available evidence, it is unclear whether MSH6 Met1202Val is a pathogenic or benign variant. We consider it to be a variant of uncertain significance.

Women's Health and Genetics/Laboratory Corporation of America, LabCorp
Classification: Uncertain significance. Last evaluated: 2017-10-20. Review status: criteria provided, single submitter. Criteria: LabCorp Variant Classification Summary - May 2015. Collection method: clinical testing. Allele origin: germline.
Comment: Variant summary: The c.3604A>G (p.Met1202Val) variant in the MSH6 gene is a missense variant that involves a mildly conserved nucleotide and 5/5 in silico tools predict benign outcome, however no functional studies supporting these predictions were published at the time of evaluation. The c.3604A>G is present in the control population datasets of ExAC and gnomAD at a low frequency (1/121324 and 2/246248 chrs tested, respectively). The observed frequency does not exceed the maximum expected allele frequency for a pathogenic variant of 0.0001, suggesting that it is not a common polymorphism. To our knowledge, the variant has not been reported in affected individuals via peer-reviewed reports, but is cited as VUS by reputable databases/clinical laboratories. Taken together, the variant was classified as VUS, until new information becomes available.

Counsyl
Classification: Uncertain significance for Lynch syndrome 5. Last evaluated: 2016-06-01. Review status: no assertion criteria provided. Collection method: clinical testing. Allele origin: unknown. Not counted in ClinVar's aggregate classification.

Literature cited by the submitters: PubMed 23621914 (cited by Women's Health and Genetics/Laboratory Corporation of America, LabCorp and Counsyl).

NM_000179.3(MSH6):c.3604A>G (p.Met1202Val)

Gene: MSH6 (mutS homolog 6; plus strand). Cytogenetic location: 2p16.3.
Variant type: single nucleotide variant.
Coding change: c.3604A>G on transcript NM_000179.3 (MANE Select); coding-DNA position 3604, A replaced by G.
Protein change: p.Met1202Val; replaces methionine 1202 with valine.
Molecular consequence: missense variant.
Genome position (GRCh38, 1-based): chr2:47,805,665, A>G. VCF-style: chr2-47805665-A-G. GRCh37 (hg19) VCF-style: chr2-48032804-A-G.
Other names: c.3214A>G, p.Met1072Val (NM_001281492.2); c.2698A>G, p.Met900Val (NM_001281493.2, NM_001281494.2); short protein forms M1202V, M900V, M1072V.
Identifiers: ClinVar variation 141188 (VCV000141188.26), dbSNP rs369778514, ClinGen allele CA013509.